The following is an entry in ClinVar:

ClinVar aggregate classification (germline): Uncertain significance (1 of 4 stars; one submission).

Conditions:
Early-infantile DEE. Also called: Ohtahara syndrome; Early infantile epileptic encephalopathy with suppression bursts; Early infantile epileptic encephalopathy. Identifiers: Orphanet 1934, MedGen C0393706, MONDO:0800491.

Submission:

Labcorp Genetics (formerly Invitae), Labcorp
Classification: Uncertain significance for Early-infantile DEE. Last evaluated: 2022-09-23. Review status: criteria provided, single submitter. Criteria: Invitae Variant Classification Sherloc (09022015). Collection method: clinical testing. Allele origin: germline.
Comment: In summary, the available evidence is currently insufficient to determine the role of this variant in disease. Therefore, it has been classified as a Variant of Uncertain Significance. Advanced modeling of protein sequence and biophysical properties (such as structural, functional, and spatial information, amino acid conservation, physicochemical variation, residue mobility, and thermodynamic stability) has been performed at Invitae for this missense variant, however the output from this modeling did not meet the statistical confidence thresholds required to predict the impact of this variant on SCN1A protein function. ClinVar contains an entry for this variant (Variation ID: 1005714). This variant has not been reported in the literature in individuals affected with SCN1A-related conditions. This variant is not present in population databases (gnomAD no frequency). This sequence change replaces aspartic acid, which is acidic and polar, with asparagine, which is neutral and polar, at codon 208 of the SCN1A protein (p.Asp208Asn).

NM_001165963.4(SCN1A):c.622G>A (p.Asp208Asn)

Gene: SCN1A (sodium voltage-gated channel alpha subunit 1; minus strand). Cytogenetic location: 2q24.3.
Variant type: single nucleotide variant.
Coding change: c.622G>A on transcript NM_001165963.4 (MANE Select); coding-DNA position 622, G replaced by A.
Protein change: p.Asp208Asn; replaces aspartic acid 208 with asparagine.
Molecular consequence: missense variant. On other transcripts: 5 prime UTR variant (1), non-coding transcript variant (1).
Genome position (GRCh38, 1-based): chr2:166,052,924, C>T on the plus strand (G>A on the coding strand, the complement: SCN1A is on the minus strand). VCF-style: chr2-166052924-C-T. GRCh37 (hg19) VCF-style: chr2-166909434-C-T.
Other names: c.622G>A, p.Asp208Asn (NM_001165964.3, NM_001202435.3, NM_001353948.2 and 10 more transcripts); c.-1804G>A (NM_001353961.2); short protein forms D208N.
Identifiers: ClinVar variation 1005714 (VCV001005714.9), dbSNP rs1698748633, ClinGen allele CA349074348.